The following is an entry in ClinVar:

NM_014629.4(ARHGEF10):c.2063G>A (p.Ser688Asn)

Gene: ARHGEF10 (Rho guanine nucleotide exchange factor 10; plus strand). Cytogenetic location: 8p23.3.
Variant type: single nucleotide variant.
Coding change: c.2063G>A on transcript NM_014629.4 (MANE Select); coding-DNA position 2063, G replaced by A.
Protein change: p.Ser688Asn; replaces serine 688 with asparagine.
Molecular consequence: missense variant.
Genome position (GRCh38, 1-based): chr8:1,909,390, G>A. VCF-style: chr8-1909390-G-A. GRCh37 (hg19) VCF-style: chr8-1857556-G-A.
Other names: c.1949G>A, p.Ser650Asn (NM_001308152.2); c.2063G>A, p.Ser688Asn (NM_001308153.3); short protein forms S688N, S650N, S712N.
Identifiers: ClinVar variation 374306 (VCV000374306.46), dbSNP rs143290224, ClinGen allele CA4600693.
Genomic context (GRCh38, chr8:1,909,390, plus strand): 5'-GGTACTTGCTGAAGTGGAGCGTTCCACTGGGACATGTGGACGCCATCGAGTATGGCAGCA[G>A]CGCAGGCACGGGCGAGCACAGCAGGCACCTTGCCGTTCACCCGCCGGAGAGCCTGGCCGT-3'
Protein context (NP_055444.2, residues 678-698): GHVDAIEYGS[Ser688Asn]AGTGEHSRHL

ClinVar aggregate classification (germline): Conflicting classifications of pathogenicity. Review status: criteria provided, conflicting classifications (1 of 4 stars). 10 submissions from 10 submitters: Uncertain significance (1); Benign (1); Likely benign (4). 4 of the submissions do not count toward it. Last evaluated 2026-09-01.

Conditions:
Autosomal dominant slowed nerve conduction velocity. Identifiers: Orphanet 140481, MedGen C1842357, MONDO:0011998, OMIM 608236.

Allele frequency attached by ClinVar (database versions not stated): 1000 Genomes Project 30x 0.00031; 1000 Genomes Project 0.00040; gnomAD 0.00051; ESP Exome Variant Server 0.00062; TOPMed 0.00070; ExAC 0.00085.
gnomAD v4.1: 1,032 of 1,614,160 alleles (0.064%); highest among the groups gnomAD compares: Middle Eastern, 1.3%; 8 homozygotes.

Submissions (10):

CeGaT Center for Human Genetics Tuebingen
Classification: Likely benign. Last evaluated: 2026-09-01. Review status: criteria provided, single submitter. Criteria: CeGaT Center For Human Genetics Tuebingen Variant Classification Criteria Version 2. Collection method: clinical testing. Allele origin: germline. Affected: yes. Observed: 7 variant alleles.
Comment: ARHGEF10: BP4, BS1

Labcorp Genetics (formerly Invitae), Labcorp
Classification: Likely benign. Last evaluated: 2026-01-27. Review status: criteria provided, single submitter. Criteria: Invitae Variant Classification Sherloc (09022015). Collection method: clinical testing. Allele origin: germline.

Women's Health and Genetics/Laboratory Corporation of America, LabCorp
Classification: Likely benign. Last evaluated: 2024-12-24. Review status: criteria provided, single submitter. Criteria: LabCorp Variant Classification Summary - May 2015. Collection method: clinical testing. Allele origin: germline.
Comment: Variant summary: ARHGEF10 c.2063G>A (p.Ser688Asn) results in a conservative amino acid change in the encoded protein sequence. Five of five in-silico tools predict a benign effect of the variant on protein function. The variant allele was found at a frequency of 0.00083 in 251452 control chromosomes, predominantly at a frequency of 0.0018 within the Latino subpopulation in the gnomAD database. The observed variant frequency within Latino control individuals in the gnomAD database exceeds the estimated maximal expected allele frequency for a pathogenic variant in ARHGEF10 causing Autosomal dominant slowed nerve conduction velocity phenotype. c.2063G>A has been reported in the literature in an individual affected with Charcot-Marie-Tooth disease who also had a pathogenic variant in SH3TC2. This report does not provide unequivocal conclusions about association of the variant with Autosomal dominant slowed nerve conduction velocity. To our knowledge, no experimental evidence demonstrating an impact on protein function has been reported. The following publication has been ascertained in the context of this evaluation (PMID: 25025039). ClinVar contains an entry for this variant (Variation ID: 374306). Based on the evidence outlined above, the variant was classified as likely benign.

Blueprint Genetics
Classification: Likely benign. Last evaluated: 2024-11-27. Review status: criteria provided, single submitter. Criteria: ACMG Guidelines, 2015. Collection method: clinical testing. Allele origin: germline.

Dubai Health Genomic Medicine Center, Dubai Health
Classification: Benign. Last evaluated: 2020-01-06. Review status: criteria provided, single submitter. Criteria: ACMG Guidelines, 2015. Collection method: clinical testing. Allele origin: germline. Affected: yes.

Mayo Clinic Laboratories, Mayo Clinic
Classification: Uncertain significance. Last evaluated: 2019-07-15. Review status: criteria provided, single submitter. Criteria: ACMG Guidelines, 2015. Collection method: clinical testing. Allele origin: germline. Observed: 1 variant allele.

Baylor Genetics
Classification: Uncertain significance for Autosomal dominant slowed nerve conduction velocity. Last evaluated: 2016-01-18. Review status: no assertion criteria provided. Collection method: clinical testing. Allele origin: germline. Inheritance: Autosomal unknown. Observed: 60 variant alleles, 57 heterozygotes, 1 compound heterozygote, 2 homozygotes. Not counted in ClinVar's aggregate classification.
Comment: So far, only one missense variant has been reported in a 4-generation family with slowed motor and sensory nerve-conduction velocities (PMID:14508709).

Clinical Genetics DNA and cytogenetics Diagnostics Lab, Erasmus MC, Erasmus Medical Center
Classification: Likely benign. Review status: no assertion criteria provided. Collection method: clinical testing. Allele origin: germline. Affected: yes. Study: VKGL Data-share Consensus. Not counted in ClinVar's aggregate classification.

Clinical Genetics, Academic Medical Center
Classification: Likely benign. Review status: no assertion criteria provided. Collection method: clinical testing. Allele origin: germline. Affected: yes. Study: VKGL Data-share Consensus. Not counted in ClinVar's aggregate classification.

Genome Diagnostics Laboratory, University Medical Center Utrecht
Classification: Likely benign. Review status: no assertion criteria provided. Collection method: clinical testing. Allele origin: germline. Affected: yes. Study: VKGL Data-share Consensus. Not counted in ClinVar's aggregate classification.

Literature cited by the submitters: PubMed 25025039 (cited by Women's Health and Genetics/Laboratory Corporation of America, LabCorp).